The following is an entry in ClinVar:

NR_002196.3(H19):n.364G>C

Genes: H19 (H19 imprinted maternally expressed transcript; minus strand), MRPL23 (mitochondrial ribosomal protein L23; plus strand). Cytogenetic location: 11p15.5.
Variant type: single nucleotide variant.
Molecular consequence: non-coding transcript variant (on NR_002196.3). On other transcripts: intron variant (1).
Genome position: GRCh38 VCF-style: chr11-1997479-C-G. GRCh37 (hg19) VCF-style: chr11-2018709-C-G.
Other names: c.498-14062C>G (NM_001400176.1).
Identifiers: ClinVar variation 3050632 (VCV003050632.2), dbSNP rs567011313, ClinGen allele CA5817544.
Genomic context (GRCh38, chr11:1,997,479, plus strand): 5'-CTCACCTGCCCGCTGCTGCCAGCTACACCTCCGTTGCCCAGGCCCTGGGATCAAACCCTG[C>G]CCACCAGCTCCCCTCGTCCAACCAGCTGCCACGTCCTGTAACCAAAAGTGACCGGGATGA-3'

ClinVar aggregate classification (germline): Likely benign (0 of 4 stars; one submission).

Conditions:
H19-related disorder. Also called: H19-related condition.

Submission:

PreventionGenetics, part of Exact Sciences
Classification: Likely benign for H19-related condition. Last evaluated: 2019-07-13. Review status: no assertion criteria provided. Collection method: clinical testing. Allele origin: germline.
Comment: This variant is classified as likely benign based on ACMG/AMP sequence variant interpretation guidelines (Richards et al. 2015 PMID: 25741868, with internal and published modifications).